The following is an entry in ClinVar:

ClinVar aggregate classification (germline): Uncertain significance (1 of 4 stars; one submission).

gnomAD v4.1: 30 of 1,612,832 alleles (0.0019%); highest among the groups gnomAD compares: Non-Finnish European, 0.0025%; no homozygotes.

Submission:

Ambry Genetics
Classification: Uncertain significance. Last evaluated: 2024-12-07. Review status: criteria provided, single submitter. Criteria: Ambry Variant Classification Scheme 2023. Collection method: clinical testing. Allele origin: germline.
Comment: The p.G761E variant (also known as c.2282G>A), located in coding exon 12 of the ATRIP gene, results from a G to A substitution at nucleotide position 2282. The glycine at codon 761 is replaced by glutamic acid, an amino acid with similar properties. This amino acid position is conserved. In addition, this alteration is predicted to be tolerated by in silico analysis. Based on the available evidence, the clinical significance of this variant remains unclear.

NM_130384.3(ATRIP):c.2282G>A (p.Gly761Glu)

Genes: ATRIP (ATR interacting protein; plus strand), ATRIP-TREX1 (ATRIP-TREX1 readthrough; plus strand). Cytogenetic location: 3p21.31.
Variant type: single nucleotide variant.
Coding change: c.2282G>A on transcript NM_130384.3 (MANE Select); coding-DNA position 2282, G replaced by A.
Protein change: p.Gly761Glu; replaces glycine 761 with glutamic acid.
Molecular consequence: missense variant. On other transcripts: non-coding transcript variant (1).
Genome position (GRCh38, 1-based): chr3:48,465,057, G>A. VCF-style: chr3-48465057-G-A. GRCh37 (hg19) VCF-style: chr3-48506456-G-A.
Other names: c.1901G>A, p.Gly634Glu (NM_001271022.2); c.2003G>A, p.Gly668Glu (NM_001271023.2); c.2201G>A, p.Gly734Glu (NM_032166.4); short protein forms G734E, G668E, G634E, G761E.
Identifiers: ClinVar variation 3465114 (VCV003465114.1).